The following is an entry in ClinVar:

NM_006531.5(IFT88):c.1649A>G (p.Asn550Ser)

Gene: IFT88 (intraflagellar transport 88; plus strand). Cytogenetic location: 13q12.11.
Variant type: single nucleotide variant.
Coding change: c.1649A>G on transcript NM_006531.5 (MANE Select); coding-DNA position 1649, A replaced by G.
Protein change: p.Asn550Ser; replaces asparagine 550 with serine.
Molecular consequence: missense variant. On other transcripts: non-coding transcript variant (4).
Genome position (GRCh38, 1-based): chr13:20,641,365, A>G. VCF-style: chr13-20641365-A-G. GRCh37 (hg19) VCF-style: chr13-21215504-A-G.
Other names: c.1592A>G, p.Asn531Ser (NM_001318491.2, NM_001353575.2); c.1676A>G, p.Asn559Ser (NM_001318493.2, NM_001353565.2, NM_001353566.2 and 2 more transcripts); c.1649A>G, p.Asn550Ser (NM_001353568.2, NM_001353572.2); c.1574A>G, p.Asn525Ser (NM_001353569.2, NM_001353570.2, NM_001353576.2 and 1 more transcripts); c.1547A>G, p.Asn516Ser (NM_001353571.2, NM_001353578.2); c.1505A>G, p.Asn502Ser (NM_001353573.2); c.1490A>G, p.Asn497Ser (NM_001353574.2); c.1016A>G, p.Asn339Ser (NM_001353579.2); short protein forms N502S, N531S, N550S, N559S, N339S, N497S, N516S, N525S.
Identifiers: ClinVar variation 4732415 (VCV004732415.1).

ClinVar aggregate classification (germline): Uncertain significance (1 of 4 stars; one submission).

Submission:

Labcorp Genetics (formerly Invitae), Labcorp
Classification: Uncertain significance. Last evaluated: 2025-12-08. Review status: criteria provided, single submitter. Criteria: Invitae Variant Classification Sherloc (09022015). Collection method: clinical testing. Allele origin: germline.
Comment: This sequence change replaces asparagine, which is neutral and polar, with serine, which is neutral and polar, at codon 559 of the IFT88 protein (p.Asn559Ser). This variant is not present in population databases (gnomAD no frequency). This variant has not been reported in the literature in individuals affected with IFT88-related conditions. An algorithm developed to predict the effect of missense changes on protein structure and function (PolyPhen-2) suggests that this variant is likely to be tolerated. In summary, the available evidence is currently insufficient to determine the role of this variant in disease. Therefore, it has been classified as a Variant of Uncertain Significance.